The following is an entry in ClinVar:

ClinVar aggregate classification (germline): Uncertain significance. Review status: criteria provided, multiple submitters, no conflicts (2 of 4 stars). 2 submissions from 2 submitters: Uncertain significance (2). Last evaluated 2023-10-01.

Conditions:
Meckel-Gruber syndrome. Also called: Dysencephalia splachnocystica; DYSENCEPHALIA SPLANCHNOCYSTICA; GRUBER SYNDROME. Identifiers: Orphanet 564, MedGen C0265215, MONDO:0018921.
Joubert syndrome. Also called: Familial aplasia of the vermis; JOUBERT-BOLTSHAUSER SYNDROME. Identifiers: Orphanet 475, MedGen C5979921, MONDO:0018772.

Allele frequency attached by ClinVar (database versions not stated): gnomAD exomes below 0.00001.
gnomAD v4.1: 2 of 1,612,758 alleles (0.00012%); highest among the groups gnomAD compares: Non-Finnish European, 0.00017%; no homozygotes.

Submissions (2):

CeGaT Center for Human Genetics Tuebingen
Classification: Uncertain significance. Last evaluated: 2023-10-01. Review status: criteria provided, single submitter. Criteria: CeGaT Center For Human Genetics Tuebingen Variant Classification Criteria Version 2. Collection method: clinical testing. Allele origin: germline. Affected: yes. Observed: 1 variant allele.
Comment: TMEM67: PM2

Labcorp Genetics (formerly Invitae), Labcorp
Classification: Uncertain significance for Joubert syndrome; Meckel-Gruber syndrome. Last evaluated: 2021-12-16. Review status: criteria provided, single submitter. Criteria: Invitae Variant Classification Sherloc (09022015). Collection method: clinical testing. Allele origin: germline.
Comment: This sequence change replaces valine, which is neutral and non-polar, with isoleucine, which is neutral and non-polar, at codon 107 of the TMEM67 protein (p.Val107Ile). This variant is not present in population databases (gnomAD no frequency). This variant has not been reported in the literature in individuals affected with TMEM67-related conditions. Advanced modeling of protein sequence and biophysical properties (such as structural, functional, and spatial information, amino acid conservation, physicochemical variation, residue mobility, and thermodynamic stability) performed at Invitae indicates that this missense variant is not expected to disrupt TMEM67 protein function. In summary, the available evidence is currently insufficient to determine the role of this variant in disease. Therefore, it has been classified as a Variant of Uncertain Significance.

NM_153704.6(TMEM67):c.319G>A (p.Val107Ile)

Gene: TMEM67 (transmembrane protein 67; plus strand). Cytogenetic location: 8q22.1.
Variant type: single nucleotide variant.
Coding change: c.319G>A on transcript NM_153704.6 (MANE Select); coding-DNA position 319, G replaced by A.
Protein change: p.Val107Ile; replaces valine 107 with isoleucine.
Molecular consequence: missense variant. On other transcripts: 5 prime UTR variant (1), non-coding transcript variant (1).
Genome position (GRCh38, 1-based): chr8:93,758,489, G>A. VCF-style: chr8-93758489-G-A. GRCh37 (hg19) VCF-style: chr8-94770717-G-A.
Other names: c.-59G>A (NM_001142301.1); short protein forms V107I.
Identifiers: ClinVar variation 2073733 (VCV002073733.25), dbSNP rs2536765374, ClinGen allele CA371685745.